The following is an entry in ClinVar:

NM_022051.3(EGLN1):c.527G>A (p.Gly176Asp)

Gene: EGLN1 (egl-9 family hypoxia inducible factor 1; minus strand). Cytogenetic location: 1q42.2.
Variant type: single nucleotide variant.
Coding change: c.527G>A on transcript NM_022051.3 (MANE Select); coding-DNA position 527, G replaced by A.
Protein change: p.Gly176Asp; replaces glycine 176 with aspartic acid.
Molecular consequence: missense variant.
Genome position (GRCh38, 1-based): chr1:231,421,362, C>T on the plus strand (G>A on the coding strand, the complement: EGLN1 is on the minus strand). VCF-style: chr1-231421362-C-T. GRCh37 (hg19) VCF-style: chr1-231557108-C-T.
Other names: c.527G>A, p.Gly176Asp (NM_001377260.1, NM_001377261.1); short protein forms G176D.
Identifiers: ClinVar variation 5035864 (VCV005035864.1).

ClinVar aggregate classification (germline): Uncertain significance (1 of 4 stars; one submission).

Submission:

Ambry Genetics
Classification: Uncertain significance. Last evaluated: 2026-09-08. Review status: criteria provided, single submitter. Criteria: Ambry Variant Classification Scheme 2023. Collection method: clinical testing. Allele origin: germline.
Comment: The p.G176D variant (also known as c.527G>A), located in coding exon 1 of the EGLN1 gene, results from a G to A substitution at nucleotide position 527. The glycine at codon 176 is replaced by aspartic acid, an amino acid with similar properties. This amino acid position is conserved. In addition, this alteration is predicted to be tolerated by in silico analysis. Based on the available evidence, the clinical significance of this variant remains unclear.